The following is an entry in ClinVar:

ClinVar aggregate classification (germline): Uncertain significance. Review status: criteria provided, multiple submitters, no conflicts (2 of 4 stars). 2 submissions from 2 submitters: Uncertain significance (2). Last evaluated 2023-06-08.

gnomAD v4.1: 83 of 838,578 alleles (0.0099%); highest among the groups gnomAD compares: Non-Finnish European, 0.014%; no homozygotes.

Submissions (2):

Blueprint Genetics
Classification: Uncertain significance. Last evaluated: 2023-06-08. Review status: criteria provided, single submitter. Criteria: ACMG Guidelines, 2015. Collection method: clinical testing. Allele origin: germline.

Labcorp Genetics (formerly Invitae), Labcorp
Classification: Uncertain significance. Last evaluated: 2022-11-08. Review status: criteria provided, single submitter. Criteria: Invitae Variant Classification Sherloc (09022015). Collection method: clinical testing. Allele origin: germline.
Comment: In summary, the available evidence is currently insufficient to determine the role of this variant in disease. Therefore, it has been classified as a Variant of Uncertain Significance. Algorithms developed to predict the effect of sequence changes on RNA splicing suggest that this variant may create or strengthen a splice site. Algorithms developed to predict the effect of missense changes on protein structure and function output the following: SIFT: "Tolerated"; PolyPhen-2: "Benign"; Align-GVGD: "Class C0". The asparagine amino acid residue is found in multiple mammalian species, which suggests that this missense change does not adversely affect protein function. This variant has not been reported in the literature in individuals affected with ESPN-related conditions. The frequency data for this variant in the population databases is considered unreliable, as metrics indicate poor data quality at this position in the gnomAD database. This sequence change replaces aspartic acid, which is acidic and polar, with asparagine, which is neutral and polar, at codon 230 of the ESPN protein (p.Asp230Asn).

NM_031475.3(ESPN):c.688G>A (p.Asp230Asn)

Gene: ESPN (espin; plus strand). Cytogenetic location: 1p36.31.
Variant type: single nucleotide variant.
Coding change: c.688G>A on transcript NM_031475.3 (MANE Select); coding-DNA position 688, G replaced by A.
Protein change: p.Asp230Asn; replaces aspartic acid 230 with asparagine.
Molecular consequence: missense variant.
Genome position (GRCh38, 1-based): chr1:6,440,638, G>A. VCF-style: chr1-6440638-G-A. GRCh37 (hg19) VCF-style: chr1-6500698-G-A.
Other names: c.688G>A, p.Asp230Asn (NM_001367473.1, NM_001367474.1); short protein forms D230N.
Identifiers: ClinVar variation 1905942 (VCV001905942.6), dbSNP rs765409327, ClinGen allele CA559978.